The following is an entry in ClinVar:

ClinVar aggregate classification (germline): Likely pathogenic (1 of 4 stars; one submission).

Submission:

Mayo Clinic Laboratories, Mayo Clinic
Classification: Likely pathogenic. Last evaluated: 2024-03-21. Review status: criteria provided, single submitter. Criteria: ACMG Guidelines, 2015. Collection method: clinical testing. Allele origin: germline. Observed: 1 variant allele.
Comment: PM2_moderate, PVS1

NM_000037.4(ANK1):c.4984_4985insT (p.Ala1662fs)

Gene: ANK1 (ankyrin 1; minus strand). Cytogenetic location: 8p11.21.
Variant type: Insertion.
Coding change: c.4984_4985insT on transcript NM_000037.4 (MANE Select); coding-DNA positions 4984 to 4985, T inserted.
Protein change: p.Ala1662fs; shifts the reading frame from alanine 1662.
Molecular consequence: frameshift variant. On other transcripts: intron variant (1).
Genome position: GRCh38 VCF-style: chr8-41672465-G-GA. GRCh37 (hg19) VCF-style: chr8-41529983-G-GA.
Other names: p.Ala1662Valfs*8; c.5107_5108insT, p.Ala1703fs (NM_001142446.2); c.4984_4985insT, p.Ala1662fs (NM_020475.3, NM_020476.3); c.4538-40_4538-39insT (NM_020477.3); short protein forms A1662fs, A1703fs.
Identifiers: ClinVar variation 3381032 (VCV003381032.1).